The following is an entry in ClinVar:

ClinVar aggregate classification (germline): Uncertain significance. Review status: criteria provided, multiple submitters, no conflicts (2 of 4 stars). 2 submissions from 2 submitters: Uncertain significance (2). Last evaluated 2021-09-01.

Conditions:
Hereditary cancer-predisposing syndrome. Also called: Tumor predisposition; Hereditary Cancer Syndrome; Hereditary neoplastic syndrome; Neoplastic Syndromes, Hereditary. Identifiers: Orphanet 140162, MedGen C0027672, MeSH D009386, MONDO:0015356.
Ataxia-telangiectasia syndrome (AT). Also called: Ataxia telangiectasia (A-T); LOUIS-BAR SYNDROME; Cerebello-oculocutaneous telangiectasia; Immunodeficiency with ataxia telangiectasia; ATAXIA-TELANGIECTASIA, COMPLEMENTATION GROUP A; ATAXIA-TELANGIECTASIA, FRESNO VARIANT. Identifiers: Orphanet 100, MedGen C0004135, MONDO:0008840, OMIM 208900.

Submissions (2):

Labcorp Genetics (formerly Invitae), Labcorp
Classification: Uncertain significance for Ataxia-telangiectasia syndrome. Last evaluated: 2021-09-01. Review status: criteria provided, single submitter. Criteria: Invitae Variant Classification Sherloc (09022015). Collection method: clinical testing. Allele origin: germline.
Comment: This sequence change replaces cysteine with arginine at codon 458 of the ATM protein (p.Cys458Arg). The cysteine residue is highly conserved and there is a large physicochemical difference between cysteine and arginine. This variant is not present in population databases (ExAC no frequency). This variant has not been reported in the literature in individuals affected with ATM-related conditions. ClinVar contains an entry for this variant (Variation ID: 233755). Algorithms developed to predict the effect of missense changes on protein structure and function (SIFT, PolyPhen-2, Align-GVGD) all suggest that this variant is likely to be disruptive. In summary, the available evidence is currently insufficient to determine the role of this variant in disease. Therefore, it has been classified as a Variant of Uncertain Significance.

Ambry Genetics
Classification: Uncertain significance for Hereditary cancer-predisposing syndrome. Last evaluated: 2015-09-06. Review status: criteria provided, single submitter. Criteria: Ambry Variant Classification Scheme 2023. Collection method: clinical testing. Allele origin: germline.
Comment: The p.C458R variant (also known as c.1372T>C), located in coding exon 9 of the ATM gene, results from a T to C substitution at nucleotide position 1372. The cysteine at codon 458 is replaced by arginine, an amino acid with highly dissimilar properties. This variant was not reported in population based cohorts in the following databases: Database of Single Nucleotide Polymorphisms (dbSNP), NHLBI Exome Sequencing Project (ESP), and 1000 Genomes Project. In the ESP, this variant was not observed in 6499 samples (12998 alleles) with coverage at this position. To date, this alteration has been detected with an allele frequency of approximately 0.002% (greater than 66000 alleles tested) in our clinical cohort. This amino acid position is highly conserved in available vertebrate species. In addition, this alteration is predicted to be deleterious by in silico analysis. Since supporting evidence is limited at this time, the clinical significance of p.C458R remains unclear.

NM_000051.4(ATM):c.1372T>C (p.Cys458Arg)

Gene: ATM (ATM serine/threonine kinase; plus strand). Cytogenetic location: 11q22.3.
Variant type: single nucleotide variant.
Coding change: c.1372T>C on transcript NM_000051.4 (MANE Select); coding-DNA position 1372, T replaced by C.
Protein change: p.Cys458Arg; replaces cysteine 458 with arginine.
Molecular consequence: missense variant.
Genome position (GRCh38, 1-based): chr11:108,250,837, T>C. VCF-style: chr11-108250837-T-C. GRCh37 (hg19) VCF-style: chr11-108121564-T-C.
Other names: c.1372T>C, p.Cys458Arg (NM_001351834.2); short protein forms C458R.
Identifiers: ClinVar variation 233755 (VCV000233755.10), dbSNP rs876660619, ClinGen allele CA10579005.
Genomic context (GRCh38, chr11:108,250,837, plus strand): 5'-ATACTATCTCAGCTTCTACCCCAACAGCGACATGGGGAACGTACACCATATGTGTTACGA[T>C]GCCTTACGGAAGTTGCATTGTGTCAAGACAAGAGGTCAAACCTAGAAAGCTCACAAAAGT-3'
Protein context (NP_000042.3, residues 448-468): HGERTPYVLR[Cys458Arg]LTEVALCQDK